The following is an entry in ClinVar:

NM_001128431.4(SLC39A14):c.457+1376A>G

Gene: SLC39A14 (solute carrier family 39 member 14; plus strand). Cytogenetic location: 8p21.3.
Variant type: single nucleotide variant.
Coding change: c.457+1376A>G on transcript NM_001128431.4 (MANE Select); 1376 bases into the intron after coding-DNA position 457, A replaced by G.
Molecular consequence: intron variant.
Genome position (GRCh38, 1-based): chr8:22,409,872, A>G. VCF-style: chr8-22409872-A-G. GRCh37 (hg19) VCF-style: chr8-22267385-A-G.
Other names: c.457+1376A>G (NM_001135154.3, NM_001351656.2, NM_001351655.2 and 2 more transcripts); c.487+1376A>G (NM_001351657.2, NM_001351658.2, NM_001351659.2); c.458-74A>G (NM_015359.6).
Identifiers: ClinVar variation 1266038 (VCV001266038.5), dbSNP rs3802199, ClinGen allele CA12786558.

ClinVar aggregate classification (germline): Benign. Review status: criteria provided, multiple submitters, no conflicts (2 of 4 stars). 3 submissions from 3 submitters: Benign (3). Last evaluated 2024-07-31.

Allele frequency attached by ClinVar (database versions not stated): gnomAD 0.24066 and 0.24964; TOPMed 0.24165; gnomAD exomes 0.28968; 1000 Genomes Project 30x 0.29981; 1000 Genomes Project 0.31010.
gnomAD v4.1: 437,173 of 1,530,424 alleles (29%); highest among the groups gnomAD compares: East Asian, 52%; 65,822 homozygotes.

Submissions (3):

Unidad de Genómica Garrahan, Hospital de Pediatría Garrahan
Classification: Benign. Last evaluated: 2024-07-31. Review status: criteria provided, single submitter. Criteria: ACMG Guidelines, 2015. Collection method: clinical testing. Allele origin: germline. Affected: no. Observed: 49 variant alleles.
Comment: This variant is classified as Benign based on local population frequency. This variant was detected in 53% of patients studied in a panel designed for Epileptic and Developmental Encephalopathy, Progressive Myoclonus Epilepsy and Abnormal Movements and Neurodegeneration with brain iron accumulation. Number of patients: 49. Only high quality variants are reported.

GeneDx
Classification: Benign. Last evaluated: 2021-05-15. Review status: criteria provided, single submitter. Criteria: GeneDx Variant Classification Process June 2021. Collection method: clinical testing. Allele origin: germline. Affected: yes.

Breakthrough Genomics
Classification: Benign. Review status: criteria provided, single submitter. Criteria: ACMG Guidelines, 2015. Collection method: not provided. Allele origin: germline. Inheritance: Autosomal recessive inheritance. Affected: yes.